The following is an entry in ClinVar:

NM_001077653.2(TBX20):c.382A>G (p.Arg128Gly)

Gene: TBX20 (T-box transcription factor 20; minus strand). Cytogenetic location: 7p14.2.
Variant type: single nucleotide variant.
Coding change: c.382A>G on transcript NM_001077653.2 (MANE Select); coding-DNA position 382, A replaced by G.
Protein change: p.Arg128Gly; replaces arginine 128 with glycine.
Molecular consequence: missense variant.
Genome position (GRCh38, 1-based): chr7:35,248,840, T>C on the plus strand (A>G on the coding strand, the complement: TBX20 is on the minus strand). VCF-style: chr7-35248840-T-C. GRCh37 (hg19) VCF-style: chr7-35288452-T-C.
Other names: c.382A>G, p.Arg128Gly (NM_001166220.1); short protein forms R128G.
Identifiers: ClinVar variation 4714481 (VCV004714481.1).

ClinVar aggregate classification (germline): Uncertain significance (1 of 4 stars; one submission).

Submission:

Labcorp Genetics (formerly Invitae), Labcorp
Classification: Uncertain significance. Last evaluated: 2025-04-17. Review status: criteria provided, single submitter. Criteria: Invitae Variant Classification Sherloc (09022015). Collection method: clinical testing. Allele origin: germline.
Comment: This sequence change replaces arginine, which is basic and polar, with glycine, which is neutral and non-polar, at codon 128 of the TBX20 protein (p.Arg128Gly). This variant is not present in population databases (gnomAD no frequency). This variant has not been reported in the literature in individuals affected with TBX20-related conditions. An algorithm developed to predict the effect of missense changes on protein structure and function (PolyPhen-2) suggests that this variant is likely to be disruptive. In summary, the available evidence is currently insufficient to determine the role of this variant in disease. Therefore, it has been classified as a Variant of Uncertain Significance.